The following is an entry in ClinVar:

NM_000136.3(FANCC):c.1329+238C>T

Genes: FANCC (FA complementation group C; minus strand), AOPEP (aminopeptidase O (putative); plus strand). Cytogenetic location: 9q22.32.
Variant type: single nucleotide variant.
Coding change: c.1329+238C>T on transcript NM_000136.3 (MANE Select); 238 bases into the intron after coding-DNA position 1329, C replaced by T.
Molecular consequence: intron variant. On other transcripts: nonsense (1).
Genome position (GRCh38, 1-based): chr9:95,111,225, G>A on the plus strand (C>T on the coding strand, the complement: FANCC is on the minus strand). VCF-style: chr9-95111225-G-A. GRCh37 (hg19) VCF-style: chr9-97873507-G-A.
Other names: c.1450C>T, p.Arg484Ter (NM_001243744.2); c.1329+238C>T (NM_001243743.2); short protein forms R484*.
Identifiers: ClinVar variation 550444 (VCV000550444.3), dbSNP rs768988593, ClinGen allele CA5137359.
Genomic context (GRCh38, chr9:95,111,225, plus strand): 5'-GGGGCAGATATGGCAGCTGAGCAATAACAGATCAAATGACCTTGGGGAAGAAGGGTCTTC[G>A]TTTTGCAGGAGAATGGGCTGGCAGCGTCTCGTCTCTGGCCACCTCGGTGGGGACAGGAGA-3'

ClinVar aggregate classification (germline): Uncertain significance. Review status: criteria provided, single submitter (1 of 4 stars). 2 submissions from 2 submitters: Uncertain significance (1). 1 of the submissions does not count toward it. Last evaluated 2022-03-01.

Conditions:
Fanconi anemia complementation group C (FANCC). Also called: FANCONI PANCYTOPENIA, TYPE 3; FACC; FANCC-Related Fanconi Anemia; Fanconi anemia, group C. Identifiers: Orphanet 84, MedGen C3468041, MONDO:0009213, OMIM 227645.

Allele frequency attached by ClinVar (database versions not stated): ExAC below 0.00001; gnomAD exomes 0.00004 and 0.00006; gnomAD 0.00005 and 0.00006; TOPMed 0.00005.
gnomAD v4.1: 60 of 1,536,706 alleles (0.0039%); highest among the groups gnomAD compares: Admixed American, 0.051%; no homozygotes.

Submissions (2):

Mayo Clinic Laboratories, Mayo Clinic
Classification: Uncertain significance. Last evaluated: 2022-03-01. Review status: criteria provided, single submitter. Criteria: ACMG Guidelines, 2015. Collection method: clinical testing. Allele origin: germline. Observed: 2 variant alleles.
Comment: PM2

Counsyl
Classification: Likely benign for Fanconi anemia complementation group C. Last evaluated: 2017-01-17. Review status: no assertion criteria provided. Collection method: clinical testing. Allele origin: unknown. Not counted in ClinVar's aggregate classification.